The following is an entry in ClinVar:

NM_002439.5(MSH3):c.1553T>C (p.Met518Thr)

Gene: MSH3 (mutS homolog 3; plus strand). Cytogenetic location: 5q14.1.
Variant type: single nucleotide variant.
Coding change: c.1553T>C on transcript NM_002439.5 (MANE Select); coding-DNA position 1553, T replaced by C.
Protein change: p.Met518Thr; replaces methionine 518 with threonine.
Molecular consequence: missense variant.
Genome position (GRCh38, 1-based): chr5:80,728,950, T>C. VCF-style: chr5-80728950-T-C. GRCh37 (hg19) VCF-style: chr5-80024769-T-C.
Other names: short protein forms M518T.
Identifiers: ClinVar variation 1006939 (VCV001006939.8), dbSNP rs1323813414, ClinGen allele CA360274358.

ClinVar aggregate classification (germline): Uncertain significance (1 of 4 stars; one submission).

Allele frequency attached by ClinVar (database versions not stated): gnomAD exomes below 0.00001 and 0.00001.
gnomAD v4.1: 3 of 1,598,134 alleles (0.00019%); highest among the groups gnomAD compares: South Asian, 0.0033%; no homozygotes.

Submission:

Labcorp Genetics (formerly Invitae), Labcorp
Classification: Uncertain significance. Last evaluated: 2024-07-29. Review status: criteria provided, single submitter. Criteria: Invitae Variant Classification Sherloc (09022015). Collection method: clinical testing. Allele origin: germline.
Comment: This sequence change replaces methionine, which is neutral and non-polar, with threonine, which is neutral and polar, at codon 518 of the MSH3 protein (p.Met518Thr). This variant is present in population databases (no rsID available, gnomAD 0.006%). This variant has not been reported in the literature in individuals affected with MSH3-related conditions. ClinVar contains an entry for this variant (Variation ID: 1006939). An algorithm developed to predict the effect of missense changes on protein structure and function (PolyPhen-2) suggests that this variant is likely to be tolerated. In summary, the available evidence is currently insufficient to determine the role of this variant in disease. Therefore, it has been classified as a Variant of Uncertain Significance.